The following is an entry in ClinVar:

NM_006514.4(SCN10A):c.5479G>A (p.Glu1827Lys)

Gene: SCN10A (sodium voltage-gated channel alpha subunit 10; minus strand). Cytogenetic location: 3p22.2.
Variant type: single nucleotide variant.
Coding change: c.5479G>A on transcript NM_006514.4 (MANE Select); coding-DNA position 5479, G replaced by A.
Protein change: p.Glu1827Lys; replaces glutamic acid 1827 with lysine.
Molecular consequence: missense variant.
Genome position (GRCh38, 1-based): chr3:38,697,741, C>T on the plus strand (G>A on the coding strand, the complement: SCN10A is on the minus strand). VCF-style: chr3-38697741-C-T. GRCh37 (hg19) VCF-style: chr3-38739232-C-T.
Other names: c.5476G>A, p.Glu1826Lys (NM_001293306.2); c.5185G>A, p.Glu1729Lys (NM_001293307.2); c.5479G>A (NM_006514.2); short protein forms E1826K, E1729K, E1827K.
Identifiers: ClinVar variation 864708 (VCV000864708.8), dbSNP rs757155232, ClinGen allele CA2319666.

ClinVar aggregate classification (germline): Conflicting classifications of pathogenicity. Review status: criteria provided, conflicting classifications (1 of 4 stars). 2 submissions from 2 submitters: Uncertain significance (1); Benign (1). Last evaluated 2025-02-05.

Conditions:
Cardiovascular phenotype. Identifiers: MedGen CN230736.
Brugada syndrome. Also called: Sudden unexplained nocturnal death syndrome; Sudden Unexplained Death Syndrome; Sudden Unexplained Nocturnal Death Syndrome (SUNDS); Sudden unexpected nocturnal death syndrome. Identifiers: Orphanet 130, MedGen C1142166, MONDO:0015263.

Allele frequency attached by ClinVar (database versions not stated): gnomAD below 0.00001 and 0.00001; TOPMed 0.00002; gnomAD exomes 0.00010; ExAC 0.00012.
gnomAD v4.1: 89 of 1,613,848 alleles (0.0055%); highest among the groups gnomAD compares: South Asian, 0.089%; 3 homozygotes.

Submissions (2):

Labcorp Genetics (formerly Invitae), Labcorp
Classification: Uncertain significance for Brugada syndrome. Last evaluated: 2025-02-05. Review status: criteria provided, single submitter. Criteria: Invitae Variant Classification Sherloc (09022015). Collection method: clinical testing. Allele origin: germline.
Comment: This sequence change replaces glutamic acid, which is acidic and polar, with lysine, which is basic and polar, at codon 1827 of the SCN10A protein (p.Glu1827Lys). This variant is present in population databases (rs757155232, gnomAD 0.08%). This variant has not been reported in the literature in individuals affected with SCN10A-related conditions. ClinVar contains an entry for this variant (Variation ID: 864708). Invitae Evidence Modeling of protein sequence and biophysical properties (such as structural, functional, and spatial information, amino acid conservation, physicochemical variation, residue mobility, and thermodynamic stability) indicates that this missense variant is not expected to disrupt SCN10A protein function with a negative predictive value of 80%. In summary, the available evidence is currently insufficient to determine the role of this variant in disease. Therefore, it has been classified as a Variant of Uncertain Significance.

Ambry Genetics
Classification: Benign for Cardiovascular phenotype. Last evaluated: 2023-04-18. Review status: criteria provided, single submitter. Criteria: Ambry Variant Classification Scheme 2023. Collection method: clinical testing. Allele origin: germline.